The following is an entry in ClinVar:

NM_006796.3(AFG3L2):c.1190G>A (p.Arg397Gln)

Gene: AFG3L2 (AFG3 like matrix AAA peptidase subunit 2; minus strand). Cytogenetic location: 18p11.21.
Variant type: single nucleotide variant.
Coding change: c.1190G>A on transcript NM_006796.3 (MANE Select); coding-DNA position 1190, G replaced by A.
Protein change: p.Arg397Gln; replaces arginine 397 with glutamine.
Molecular consequence: missense variant.
Genome position (GRCh38, 1-based): chr18:12,353,133, C>T on the plus strand (G>A on the coding strand, the complement: AFG3L2 is on the minus strand). VCF-style: chr18-12353133-C-T. GRCh37 (hg19) VCF-style: chr18-12353132-C-T.
Other names: short protein forms R397Q.
Identifiers: ClinVar variation 4705564 (VCV004705564.1).

ClinVar aggregate classification (germline): Uncertain significance (1 of 4 stars; one submission).

gnomAD v4.1: 12 of 1,614,018 alleles (0.00074%); highest among the groups gnomAD compares: East Asian, 0.0045%; no homozygotes.

Submission:

Labcorp Genetics (formerly Invitae), Labcorp
Classification: Uncertain significance. Last evaluated: 2025-08-11. Review status: criteria provided, single submitter. Criteria: Invitae Variant Classification Sherloc (09022015). Collection method: clinical testing. Allele origin: germline.
Comment: This sequence change replaces arginine, which is basic and polar, with glutamine, which is neutral and polar, at codon 397 of the AFG3L2 protein (p.Arg397Gln). This variant is present in population databases (no rsID available, gnomAD 0.006%). This variant has not been reported in the literature in individuals affected with AFG3L2-related conditions. Invitae Evidence Modeling of protein sequence and biophysical properties (such as structural, functional, and spatial information, amino acid conservation, physicochemical variation, residue mobility, and thermodynamic stability) has been performed for this missense variant. However, the output from this modeling did not meet the statistical confidence thresholds required to predict the impact of this variant on AFG3L2 protein function. In summary, the available evidence is currently insufficient to determine the role of this variant in disease. Therefore, it has been classified as a Variant of Uncertain Significance.